The following is an entry in ClinVar:

ClinVar aggregate classification (germline): Uncertain significance. Review status: criteria provided, multiple submitters, no conflicts (2 of 4 stars). 3 submissions from 3 submitters: Uncertain significance (3). Last evaluated 2026-08-19.

Conditions:
Inborn genetic diseases. Identifiers: MedGen C0950123, MeSH D030342.

Allele frequency attached by ClinVar (database versions not stated): gnomAD exomes below 0.00001; TOPMed 0.00004; gnomAD 0.00001.
gnomAD v4.1: 3 of 1,609,918 alleles (0.00019%); highest among the groups gnomAD compares: African/African-American, 0.004%; no homozygotes.

Submissions (3):

Ambry Genetics
Classification: Uncertain significance for Inborn genetic diseases. Last evaluated: 2026-08-19. Review status: criteria provided, single submitter. Criteria: Ambry Variant Classification Scheme 2023. Collection method: clinical testing. Allele origin: germline.
Comment: The c.3737A>G (p.E1246G) alteration is located in exon 15 (coding exon 15) of the ASPM gene. This alteration results from a A to G substitution at nucleotide position 3737, causing the glutamic acid (E) at amino acid position 1246 to be replaced by a glycine (G). Based on data from gnomAD, the G allele has an overall frequency of <0.001% (1/280512) total alleles studied. The highest observed frequency was 0.004% (1/24358) of African alleles. This amino acid position is highly conserved in available vertebrate species. The in silico prediction for this alteration is inconclusive. Based on insufficient or conflicting evidence, the clinical significance of this alteration remains unclear.

GeneDx
Classification: Uncertain significance. Last evaluated: 2025-07-24. Review status: criteria provided, single submitter. Criteria: GeneDx Variant Classification Process June 2021. Collection method: clinical testing. Allele origin: germline.
Comment: Not observed at significant frequency in large population cohorts (gnomAD); In silico analysis supports that this missense variant has a deleterious effect on protein structure/function; Missense variant in a gene in which most reported pathogenic variants are truncating/loss of function; Has not been previously published as pathogenic or benign to our knowledge

Women's Health and Genetics/Laboratory Corporation of America, LabCorp
Classification: Uncertain significance. Last evaluated: 2024-02-07. Review status: criteria provided, single submitter. Criteria: LabCorp Variant Classification Summary - May 2015. Collection method: clinical testing. Allele origin: germline.
Comment: Variant summary: ASPM c.3737A>G (p.Glu1246Gly) results in a non-conservative amino acid change located in the Calponin homology domain (IPR001715) of the encoded protein sequence. Four of five in-silico tools predict a damaging effect of the variant on protein function. The frequency data for this variant in gnomAD is considered unreliable, as metrics indicate poor data quality at this position. To our knowledge, no occurrence of c.3737A>G in individuals affected with Primary microcephaly and no experimental evidence demonstrating its impact on protein function have been reported. ClinVar contains an entry for this variant (Variation ID: 2218799). Based on the evidence outlined above, the variant was classified as uncertain significance.

NM_018136.5(ASPM):c.3737A>G (p.Glu1246Gly)

Gene: ASPM (assembly factor for spindle microtubules; minus strand). Cytogenetic location: 1q31.3.
Variant type: single nucleotide variant.
Coding change: c.3737A>G on transcript NM_018136.5 (MANE Select); coding-DNA position 3737, A replaced by G.
Protein change: p.Glu1246Gly; replaces glutamic acid 1246 with glycine.
Molecular consequence: missense variant.
Genome position (GRCh38, 1-based): chr1:197,122,163, T>C on the plus strand (A>G on the coding strand, the complement: ASPM is on the minus strand). VCF-style: chr1-197122163-T-C. GRCh37 (hg19) VCF-style: chr1-197091293-T-C.
Other names: c.3737A>G, p.Glu1246Gly (NM_001206846.2); short protein forms E1246G.
Identifiers: ClinVar variation 2218799 (VCV002218799.7), dbSNP rs965100712, ClinGen allele CA35883322.